The following is an entry in ClinVar:

ClinVar aggregate classification (germline): Uncertain significance. Review status: criteria provided, multiple submitters, no conflicts (2 of 4 stars). 2 submissions from 2 submitters: Uncertain significance (2). Last evaluated 2018-01-13.

Conditions:
Hereditary pulmonary alveolar proteinosis. Also called: Pulmonary surfactant metabolism dysfunction. Identifiers: Orphanet 264675, MedGen C3711368, MONDO:0012580.
Interstitial lung disease due to ABCA3 deficiency. Also called: PULMONARY ALVEOLAR PROTEINOSIS, CONGENITAL, 3. Identifiers: Orphanet 440402, MedGen C1970456, MONDO:0012582, OMIM 610921.

Allele frequency attached by ClinVar (database versions not stated): gnomAD 0.00004; TOPMed 0.00006; gnomAD exomes 0.00009.
gnomAD v4.1: 136 of 1,613,672 alleles (0.0084%); highest among the groups gnomAD compares: Non-Finnish European, 0.011%; no homozygotes.

Submissions (2):

Illumina Laboratory Services, Illumina
Classification: Uncertain significance for Interstitial lung disease due to ABCA3 deficiency. Last evaluated: 2018-01-13. Review status: criteria provided, single submitter. Criteria: ICSL Variant Classification Criteria 13 December 2019. Collection method: clinical testing. Allele origin: germline.

Ambry Genetics
Classification: Uncertain significance for Hereditary pulmonary alveolar proteinosis. Last evaluated: 2016-10-31. Review status: criteria provided, single submitter. Criteria: Ambry Variant Classification Scheme 2023. Collection method: clinical testing. Allele origin: germline.
Comment: The p.A1223T variant (also known as c.3667G>A), located in coding exon 21 of the ABCA3 gene, results from a G to A substitution at nucleotide position 3667. The alanine at codon 1223 is replaced by threonine, an amino acid with similar properties. This variant was not reported in population based cohorts in the following databases: Database of Single Nucleotide Polymorphisms (dbSNP), NHLBI Exome Sequencing Project (ESP), and 1000 Genomes Project. In the ESP, this variant was not observed in 6498 samples (12996 alleles) with coverage at this position. This amino acid position is well conserved in available vertebrate species. In addition, the in silico prediction for this alteration is inconclusive. Since supporting evidence is limited at this time, the clinical significance of this alteration remains unclear.

NM_001089.3(ABCA3):c.3667G>A (p.Ala1223Thr)

Gene: ABCA3 (ATP binding cassette subfamily A member 3; minus strand). Cytogenetic location: 16p13.3.
Variant type: single nucleotide variant.
Coding change: c.3667G>A on transcript NM_001089.3 (MANE Select); coding-DNA position 3667, G replaced by A.
Protein change: p.Ala1223Thr; replaces alanine 1223 with threonine.
Molecular consequence: missense variant.
Genome position (GRCh38, 1-based): chr16:2,284,815, C>T on the plus strand (G>A on the coding strand, the complement: ABCA3 is on the minus strand). VCF-style: chr16-2284815-C-T. GRCh37 (hg19) VCF-style: chr16-2334816-C-T.
Other names: short protein forms A1223T.
Identifiers: ClinVar variation 318408 (VCV000318408.7), dbSNP rs776959824, ClinGen allele CA7840435.